The following is an entry in ClinVar:

ClinVar aggregate classification (germline): Uncertain significance (1 of 4 stars; one submission).

Conditions:
Immunodeficiency 104. Also called: SCID, AUTOSOMAL RECESSIVE, T CELL-NEGATIVE, B CELL-POSITIVE, NK CELL-POSITIVE; Severe Combined Immune Deficiency, Autosomal Recessive, TCell -Negative, B Cell-Positive, NK Cell-Positive, IL7R-Related; IMMUNODEFICIENCY 104, SEVERE COMBINED; Severe combined immunodeficiency, autosomal recessive, T cell-negative, B cell-positive, NK cell-positive. Identifiers: MedGen C5676890, MONDO:0012163, OMIM 608971.

Allele frequency attached by ClinVar (database versions not stated): TOPMed 0.00001.

Submission:

Labcorp Genetics (formerly Invitae), Labcorp
Classification: Uncertain significance for Immunodeficiency 104. Last evaluated: 2024-02-17. Review status: criteria provided, single submitter. Criteria: Invitae Variant Classification Sherloc (09022015). Collection method: clinical testing. Allele origin: germline.
Comment: This sequence change replaces cysteine, which is neutral and slightly polar, with tyrosine, which is neutral and polar, at codon 306 of the IL7R protein (p.Cys306Tyr). This variant is not present in population databases (gnomAD no frequency). This variant has not been reported in the literature in individuals affected with IL7R-related conditions. ClinVar contains an entry for this variant (Variation ID: 1382870). Advanced modeling of protein sequence and biophysical properties (such as structural, functional, and spatial information, amino acid conservation, physicochemical variation, residue mobility, and thermodynamic stability) performed at Invitae indicates that this missense variant is not expected to disrupt IL7R protein function with a negative predictive value of 80%. In summary, the available evidence is currently insufficient to determine the role of this variant in disease. Therefore, it has been classified as a Variant of Uncertain Significance.

NM_002185.5(IL7R):c.917G>A (p.Cys306Tyr)

Gene: IL7R (interleukin 7 receptor; plus strand). Cytogenetic location: 5p13.2.
Variant type: single nucleotide variant.
Coding change: c.917G>A on transcript NM_002185.5 (MANE Select); coding-DNA position 917, G replaced by A.
Protein change: p.Cys306Tyr; replaces cysteine 306 with tyrosine.
Molecular consequence: missense variant. On other transcripts: non-coding transcript variant (1).
Genome position (GRCh38, 1-based): chr5:35,876,023, G>A. VCF-style: chr5-35876023-G-A. GRCh37 (hg19) VCF-style: chr5-35876125-G-A.
Other names: short protein forms C306Y.
Identifiers: ClinVar variation 1382870 (VCV001382870.8), dbSNP rs1056726866, ClinGen allele CA116975763.